The following is an entry in ClinVar:

NM_000091.5(COL4A3):c.2783G>A (p.Gly928Glu)

Genes: MFF-DT (MFF divergent transcript; minus strand), COL4A3 (collagen type IV alpha 3 chain; plus strand). Cytogenetic location: 2q36.3.
Variant type: single nucleotide variant.
Coding change: c.2783G>A on transcript NM_000091.5 (MANE Select); coding-DNA position 2783, G replaced by A.
Protein change: p.Gly928Glu; replaces glycine 928 with glutamic acid.
Molecular consequence: missense variant.
Genome position (GRCh38, 1-based): chr2:227,284,247, G>A. VCF-style: chr2-227284247-G-A. GRCh37 (hg19) VCF-style: chr2-228148963-G-A.
Other names: short protein forms G928E.
Identifiers: ClinVar variation 5004653 (VCV005004653.1).

ClinVar aggregate classification (germline): Uncertain significance (1 of 4 stars; one submission).

Conditions:
Alport syndrome. Also called: Hemorrhagic familial nephritis; Hemorrhagic hereditary nephritis; Congenital hereditary hematuria. Identifiers: Orphanet 63, MedGen C1567741, MONDO:0018965.

Submission:

Myriad Genetics, Inc.
Classification: Uncertain significance for Alport syndrome. Last evaluated: 2026-05-08. Review status: criteria provided, single submitter. Criteria: Myriad Autosomal Dominant, Autosomal Recessive and X-Linked Classification Criteria (2023). Collection method: clinical testing. Allele origin: unknown.
Comment: NM_000091.4(COL4A3):c.2783G>A(G928E) is a missense variant classified as a variant of uncertain significance in the context of Alport syndrome, COL4A3-related. G928E has not been observed in cases with relevant disease. Relevant functional assessments of this variant are not available in the literature. G928E has not been observed in referenced population frequency databases. In summary, there is insufficient evidence to classify NM_000091.4(COL4A3):c.2783G>A(G928E) as pathogenic or benign. Please note: this variant was assessed in the context of healthy population screening.